The following is an entry in ClinVar:

NM_145167.3(PIGM):c.224G>A (p.Arg75His)

Gene: PIGM (phosphatidylinositol glycan anchor biosynthesis class M; minus strand). Cytogenetic location: 1q23.2.
Variant type: single nucleotide variant.
Coding change: c.224G>A on transcript NM_145167.3 (MANE Select); coding-DNA position 224, G replaced by A.
Protein change: p.Arg75His; replaces arginine 75 with histidine.
Molecular consequence: missense variant.
Genome position (GRCh38, 1-based): chr1:160,031,516, C>T on the plus strand (G>A on the coding strand, the complement: PIGM is on the minus strand). VCF-style: chr1-160031516-C-T. GRCh37 (hg19) VCF-style: chr1-160001306-C-T.
Other names: short protein forms R75H.
Identifiers: ClinVar variation 2739748 (VCV002739748.3), dbSNP rs369488962, ClinGen allele CA1193092.

ClinVar aggregate classification (germline): Uncertain significance (1 of 4 stars; one submission).

Conditions:
Hypercoagulability syndrome due to glycosylphosphatidylinositol deficiency (GPIBD1). Also called: GLYCOSYLPHOSPHATIDYLINOSITOL BIOSYNTHESIS DEFECT 1. Identifiers: Orphanet 83639, MedGen C5201145, MONDO:0012465, OMIM 610293.

Allele frequency attached by ClinVar (database versions not stated): ExAC 0.00002; gnomAD exomes 0.00002; TOPMed 0.00004; gnomAD 0.00005; ESP Exome Variant Server 0.00008.
gnomAD v4.1: 44 of 1,614,070 alleles (0.0027%); highest among the groups gnomAD compares: Non-Finnish European, 0.00025%; no homozygotes.

Submission:

Labcorp Genetics (formerly Invitae), Labcorp
Classification: Uncertain significance for Hypercoagulability syndrome due to glycosylphosphatidylinositol deficiency. Last evaluated: 2023-06-15. Review status: criteria provided, single submitter. Criteria: Invitae Variant Classification Sherloc (09022015). Collection method: clinical testing. Allele origin: germline.
Comment: In summary, the available evidence is currently insufficient to determine the role of this variant in disease. Therefore, it has been classified as a Variant of Uncertain Significance. Advanced modeling of protein sequence and biophysical properties (such as structural, functional, and spatial information, amino acid conservation, physicochemical variation, residue mobility, and thermodynamic stability) performed at Invitae indicates that this missense variant is expected to disrupt PIGM protein function. This variant has not been reported in the literature in individuals affected with PIGM-related conditions. This variant is present in population databases (rs369488962, gnomAD 0.1%), and has an allele count higher than expected for a pathogenic variant. This sequence change replaces arginine, which is basic and polar, with histidine, which is basic and polar, at codon 75 of the PIGM protein (p.Arg75His).